The following is an entry in ClinVar:

NM_020987.5(ANK3):c.10331A>T (p.Asp3444Val)

Gene: ANK3 (ankyrin 3; minus strand). Cytogenetic location: 10q21.2.
Variant type: single nucleotide variant.
Coding change: c.10331A>T on transcript NM_020987.5 (MANE Select); coding-DNA position 10331, A replaced by T.
Protein change: p.Asp3444Val; replaces aspartic acid 3444 with valine.
Molecular consequence: missense variant. On other transcripts: intron variant (4).
Genome position (GRCh38, 1-based): chr10:60,070,550, T>A on the plus strand (A>T on the coding strand, the complement: ANK3 is on the minus strand). VCF-style: chr10-60070550-T-A. GRCh37 (hg19) VCF-style: chr10-61830308-T-A.
Other names: c.4388-2541A>T (NM_001204403.2); c.4409-2541A>T (NM_001204404.2); c.4406-2541A>T (NM_001320874.2); c.1808-2541A>T (NM_001149.4); short protein forms D3444V.
Identifiers: ClinVar variation 2180630 (VCV002180630.1), dbSNP rs778395196, ClinGen allele CA5511261.
Genomic context (GRCh38, chr10:60,070,550, plus strand): 5'-AGTTTACTTTGGCTAAAAGAGCGGTCAGCTGGCTTCAGAATGCCCTCTGTGTTCCAGATA[T>A]CTTTCTTAATTTCCATGGCTTGAATTGGGAGTTTAGAATCACTCTCTGTCAAGCCATCAT-3'
Protein context (NP_066267.2, residues 3434-3454): LPIQAMEIKK[Asp3444Val]IWNTEGILKP

ClinVar aggregate classification (germline): Uncertain significance (1 of 4 stars; one submission).

Allele frequency attached by ClinVar (database versions not stated): gnomAD 0.00001; ExAC 0.00002.
gnomAD v4.1: 7 of 1,614,042 alleles (0.00043%); highest among the groups gnomAD compares: South Asian, 0.0011%; no homozygotes.

Submission:

Labcorp Genetics (formerly Invitae), Labcorp
Classification: Uncertain significance. Last evaluated: 2021-12-02. Review status: criteria provided, single submitter. Criteria: Invitae Variant Classification Sherloc (09022015). Collection method: clinical testing. Allele origin: germline.
Comment: This sequence change replaces aspartic acid, which is acidic and polar, with valine, which is neutral and non-polar, at codon 3444 of the ANK3 protein (p.Asp3444Val). This variant is present in population databases (rs778395196, gnomAD 0.003%). This variant has not been reported in the literature in individuals affected with ANK3-related conditions. Algorithms developed to predict the effect of missense changes on protein structure and function are either unavailable or do not agree on the potential impact of this missense change (SIFT: "Not Available"; PolyPhen-2: "Probably Damaging"; Align-GVGD: "Not Available"). In summary, the available evidence is currently insufficient to determine the role of this variant in disease. Therefore, it has been classified as a Variant of Uncertain Significance.